The following is an entry in ClinVar:

ClinVar aggregate classification (germline): Likely pathogenic. Review status: criteria provided, single submitter (1 of 4 stars). 2 submissions from 2 submitters: Likely pathogenic (1). 1 of the submissions does not count toward it. Last evaluated 2025-12-09.

Conditions:
Autosomal dominant nonsyndromic hearing loss 5. Identifiers: Orphanet 90635, MedGen C1832932, MONDO:0010973, OMIM 600994.

Submissions (2):

Genetics Research Center, University of Social Welfare and Rehabilitation Sciences
Classification: Likely pathogenic for Autosomal dominant nonsyndromic hearing loss 5. Last evaluated: 2025-12-09. Review status: criteria provided, single submitter. Criteria: ACMG Guidelines, 2015. Collection method: research. Allele origin: germline. Affected: yes.
Comment: The variant is absent from the gnomAD v2.1.1 dataset. It has been previously reported in individual(s) with GSDME-related disorders (PMID:29266521). The variant segregated with hearing loss in family CDS-6824. The minigene in-vitro splicing assay showed clear skipping of exon 8 caused by c.1102C>G. This is a well-established functional assay showing a deleterious effect on the transcript.

OMIM
Classification: Pathogenic for DEAFNESS, AUTOSOMAL DOMINANT 5. Last evaluated: 2021-10-01. Review status: no assertion criteria provided. Collection method: literature only. Allele origin: germline. Not counted in ClinVar's aggregate classification.

Literature cited by the submitters: PubMed 29266521 (cited by Genetics Research Center, University of Social Welfare and Rehabilitation Sciences and OMIM).

NM_001127453.2(GSDME):c.1102C>G (p.Gln368Glu)

Gene: GSDME (gasdermin E; minus strand). Cytogenetic location: 7p15.3.
Variant type: single nucleotide variant.
Coding change: c.1102C>G on transcript NM_001127453.2 (MANE Select); coding-DNA position 1102, C replaced by G.
Protein change: p.Gln368Glu; replaces glutamine 368 with glutamic acid.
Molecular consequence: missense variant.
Genome position (GRCh38, 1-based): chr7:24,706,265, G>C on the plus strand (C>G on the coding strand, the complement: GSDME is on the minus strand). VCF-style: chr7-24706265-G-C. GRCh37 (hg19) VCF-style: chr7-24745884-G-C.
Other names: c.610C>G, p.Gln204Glu (NM_001127454.2); c.1102C>G, p.Gln368Glu (NM_004403.3); short protein forms Q368E, Q204E.
Identifiers: ClinVar variation 1298356 (VCV001298356.2), dbSNP rs2128047712, ClinGen allele CA367047008.